The following is an entry in ClinVar:

NM_152641.4(ARID2):c.5476G>A (p.Glu1826Lys)

Gene: ARID2 (AT-rich interaction domain 2; plus strand). Cytogenetic location: 12q12.
Variant type: single nucleotide variant.
Coding change: c.5476G>A on transcript NM_152641.4 (MANE Select); coding-DNA position 5476, G replaced by A.
Protein change: p.Glu1826Lys; replaces glutamic acid 1826 with lysine.
Molecular consequence: missense variant.
Genome position (GRCh38, 1-based): chr12:45,905,046, G>A. VCF-style: chr12-45905046-G-A. GRCh37 (hg19) VCF-style: chr12-46298829-G-A.
Other names: short protein forms E1826K.
Identifiers: ClinVar variation 4532631 (VCV004532631.1).
Genomic context (GRCh38, chr12:45,905,046, plus strand): 5'-GAAGCTTCCTCCACCCTTGCCAAATGCCTTTATGAACTTAATTTTACAGTTCAGAGTAAG[G>A]AACAAGAAAAAGACTCAGAAATGCTGCAGTGAAAAATAATTCCACTTACACAGTGGGGGA-3'
Protein context (NP_689854.2, residues 1816-1835): YELNFTVQSK[Glu1826Lys]QEKDSEMLQ

ClinVar aggregate classification (germline): Uncertain significance (1 of 4 stars; one submission).

Submission:

GeneDx
Classification: Uncertain significance. Last evaluated: 2025-05-27. Review status: criteria provided, single submitter. Criteria: GeneDx Variant Classification Process June 2021. Collection method: clinical testing. Allele origin: germline. Affected: yes.
Comment: In silico analysis suggests that this missense variant does not alter protein structure/function; Has not been previously published as pathogenic or benign to our knowledge